The following is an entry in ClinVar:

NM_000393.5(COL5A2):c.2389A>G (p.Arg797Gly)

Gene: COL5A2 (collagen type V alpha 2 chain; minus strand). Cytogenetic location: 2q32.2.
Variant type: single nucleotide variant.
Coding change: c.2389A>G on transcript NM_000393.5 (MANE Select); coding-DNA position 2389, A replaced by G.
Protein change: p.Arg797Gly; replaces arginine 797 with glycine.
Molecular consequence: missense variant.
Genome position (GRCh38, 1-based): chr2:189,056,975, T>C on the plus strand (A>G on the coding strand, the complement: COL5A2 is on the minus strand). VCF-style: chr2-189056975-T-C. GRCh37 (hg19) VCF-style: chr2-189921701-T-C.
Other names: short protein forms R797G.
Identifiers: ClinVar variation 1420923 (VCV001420923.8), dbSNP rs2105573986, ClinGen allele CA349873455.

ClinVar aggregate classification (germline): Uncertain significance (1 of 4 stars; one submission).

Conditions:
Ehlers-Danlos syndrome, classic type, 1 (EDSCL1). Also called: EHLERS-DANLOS SYNDROME, GRAVIS TYPE; EHLERS-DANLOS SYNDROME, SEVERE CLASSIC TYPE; Ehlers-Danlos syndrome, type 1; Ehlers-Danlos Syndrome, Classic Type, COL5A1-Related; EDS I. Identifiers: MedGen C0268335, MONDO:0019567, OMIM 130000.

Submission:

Labcorp Genetics (formerly Invitae), Labcorp
Classification: Uncertain significance for Ehlers-Danlos syndrome, classic type, 1. Last evaluated: 2022-08-16. Review status: criteria provided, single submitter. Criteria: Invitae Variant Classification Sherloc (09022015). Collection method: clinical testing. Allele origin: germline.
Comment: Algorithms developed to predict the effect of sequence changes on RNA splicing suggest that this variant may create or strengthen a splice site. Algorithms developed to predict the effect of missense changes on protein structure and function are either unavailable or do not agree on the potential impact of this missense change (SIFT: "Deleterious"; PolyPhen-2: "Not Available"; Align-GVGD: "Class C65"). ClinVar contains an entry for this variant (Variation ID: 1420923). This variant has not been reported in the literature in individuals affected with COL5A2-related conditions. This variant is not present in population databases (gnomAD no frequency). This sequence change replaces arginine, which is basic and polar, with glycine, which is neutral and non-polar, at codon 797 of the COL5A2 protein (p.Arg797Gly). In summary, the available evidence is currently insufficient to determine the role of this variant in disease. Therefore, it has been classified as a Variant of Uncertain Significance.